The following is an entry in ClinVar:

ClinVar aggregate classification (germline): Uncertain significance. Review status: criteria provided, multiple submitters, no conflicts (2 of 4 stars). 2 submissions from 2 submitters: Uncertain significance (2). Last evaluated 2025-04-25.

Conditions:
Hereditary cancer-predisposing syndrome. Also called: Tumor predisposition; Hereditary Cancer Syndrome; Neoplastic Syndromes, Hereditary; Hereditary neoplastic syndrome. Identifiers: Orphanet 140162, MedGen C0027672, MeSH D009386, MONDO:0015356.
Haddad syndrome (OHD). Also called: Ondine-Hirschsprung disease. Identifiers: Orphanet 99803, MedGen C1859049, MONDO:0020493.

Allele frequency attached by ClinVar (database versions not stated): TOPMed below 0.00001.

Submissions (2):

Ambry Genetics
Classification: Uncertain significance for Hereditary cancer-predisposing syndrome. Last evaluated: 2025-04-25. Review status: criteria provided, single submitter. Criteria: Ambry Variant Classification Scheme 2023. Collection method: clinical testing. Allele origin: germline.
Comment: The p.A118V variant (also known as c.353C>T), located in coding exon 2 of the PHOX2B gene, results from a C to T substitution at nucleotide position 353. The alanine at codon 118 is replaced by valine, an amino acid with similar properties. This amino acid position is highly conserved in available vertebrate species. In addition, the in silico prediction for this alteration is inconclusive. Based on the available evidence, the clinical significance of this variant remains unclear.

Labcorp Genetics (formerly Invitae), Labcorp
Classification: Uncertain significance for Haddad syndrome. Last evaluated: 2023-04-17. Review status: criteria provided, single submitter. Criteria: Invitae Variant Classification Sherloc (09022015). Collection method: clinical testing. Allele origin: germline.
Comment: This sequence change replaces alanine, which is neutral and non-polar, with valine, which is neutral and non-polar, at codon 118 of the PHOX2B protein (p.Ala118Val). This variant is not present in population databases (gnomAD no frequency). This variant has not been reported in the literature in individuals affected with PHOX2B-related conditions. ClinVar contains an entry for this variant (Variation ID: 2416110). Advanced modeling of protein sequence and biophysical properties (such as structural, functional, and spatial information, amino acid conservation, physicochemical variation, residue mobility, and thermodynamic stability) performed at Invitae indicates that this missense variant is expected to disrupt PHOX2B protein function. In summary, the available evidence is currently insufficient to determine the role of this variant in disease. Therefore, it has been classified as a Variant of Uncertain Significance.

NM_003924.4(PHOX2B):c.353C>T (p.Ala118Val)

Gene: PHOX2B (paired like homeobox 2B; minus strand). Cytogenetic location: 4p13.
Variant type: single nucleotide variant.
Coding change: c.353C>T on transcript NM_003924.4 (MANE Select); coding-DNA position 353, C replaced by T.
Protein change: p.Ala118Val; replaces alanine 118 with valine.
Molecular consequence: missense variant.
Genome position (GRCh38, 1-based): chr4:41,747,425, G>A on the plus strand (C>T on the coding strand, the complement: PHOX2B is on the minus strand). VCF-style: chr4-41747425-G-A. GRCh37 (hg19) VCF-style: chr4-41749442-G-A.
Other names: short protein forms A118V.
Identifiers: ClinVar variation 2416110 (VCV002416110.7), dbSNP rs1476963248, ClinGen allele CA356740136.